The following is an entry in ClinVar:

ClinVar aggregate classification (germline): Conflicting classifications of pathogenicity. Review status: criteria provided, conflicting classifications (1 of 4 stars). 8 submissions from 8 submitters: Uncertain significance (1); Benign (3); Likely benign (3). 1 of the submissions does not count toward it. Last evaluated 2025-10-26.

Conditions:
OTOG-related disorder. Also called: OTOG-related condition.

Allele frequency attached by ClinVar (database versions not stated): ExAC 0.00020; gnomAD 0.00232 and 0.00242; TOPMed 0.00280; 1000 Genomes Project 0.00319; 1000 Genomes Project 30x 0.00344.
gnomAD v4.1: 698 of 1,550,386 alleles (0.045%); highest among the groups gnomAD compares: African/African-American, 0.85%; 5 homozygotes.

Submissions (8):

Labcorp Genetics (formerly Invitae), Labcorp
Classification: Benign. Last evaluated: 2025-10-26. Review status: criteria provided, single submitter. Criteria: Invitae Variant Classification Sherloc (09022015). Collection method: clinical testing. Allele origin: germline.

CeGaT Center for Human Genetics Tuebingen
Classification: Likely benign. Last evaluated: 2024-12-01. Review status: criteria provided, single submitter. Criteria: CeGaT Center For Human Genetics Tuebingen Variant Classification Criteria Version 2. Collection method: clinical testing. Allele origin: germline. Affected: yes. Observed: 2 variant alleles.
Comment: OTOG: BS1

Blueprint Genetics
Classification: Likely benign. Last evaluated: 2024-09-13. Review status: criteria provided, single submitter. Criteria: ACMG Guidelines, 2015. Collection method: clinical testing. Allele origin: germline.

GeneDx
Classification: Likely benign. Last evaluated: 2020-12-16. Review status: criteria provided, single submitter. Criteria: GeneDx Variant Classification Process June 2021. Collection method: clinical testing. Allele origin: germline. Affected: yes.

Laboratory for Molecular Medicine, Mass General Brigham Personalized Medicine
Classification: Benign. Last evaluated: 2017-06-24. Review status: criteria provided, single submitter. Criteria: LMM Criteria. Collection method: clinical testing. Allele origin: germline. Observed: 3 variant alleles.
Comment: p.Asp2635Asn in exon 47 of OTOG: This variant is not expected to have clinical s ignificance because it has been identified in 0.85% (130/15230) of African chrom osomes by the Genome Aggregation Database (gnomAD. org; dbSNP rs183470913).

Eurofins Ntd Llc (ga)
Classification: Benign. Last evaluated: 2017-04-04. Review status: criteria provided, single submitter. Criteria: EGL Classification Definitions 2015. Collection method: clinical testing. Allele origin: germline. Observed: 1 variant allele, 1 heterozygote.

Genomic Diagnostic Laboratory, Division of Genomic Diagnostics, Children's Hospital of Philadelphia
Classification: Uncertain significance. Last evaluated: 2015-02-05. Review status: criteria provided, single submitter. Criteria: DGD Variant Analysis Guidelines. Collection method: clinical testing. Allele origin: unknown.

PreventionGenetics, part of Exact Sciences
Classification: Benign for OTOG-related condition. Last evaluated: 2020-01-20. Review status: no assertion criteria provided. Collection method: clinical testing. Allele origin: germline. Not counted in ClinVar's aggregate classification.
Comment: This variant is classified as benign based on ACMG/AMP sequence variant interpretation guidelines (Richards et al. 2015 PMID: 25741868, with internal and published modifications).

NM_001292063.2(OTOG):c.7867G>A (p.Asp2623Asn)

Gene: OTOG (otogelin; plus strand). Cytogenetic location: 11p15.1.
Variant type: single nucleotide variant.
Coding change: c.7867G>A on transcript NM_001292063.2 (MANE Select); coding-DNA position 7867, G replaced by A.
Protein change: p.Asp2623Asn; replaces aspartic acid 2623 with asparagine.
Molecular consequence: missense variant.
Genome position (GRCh38, 1-based): chr11:17,638,522, G>A. VCF-style: chr11-17638522-G-A. GRCh37 (hg19) VCF-style: chr11-17660069-G-A.
Other names: c.7903G>A, p.Asp2635Asn (NM_001277269.2); short protein forms D2635N, D2623N.
Identifiers: ClinVar variation 218585 (VCV000218585.40), dbSNP rs183470913, ClinGen allele CA249343.